The following is an entry in ClinVar:

ClinVar aggregate classification (germline): Pathogenic/Likely pathogenic. Review status: criteria provided, multiple submitters, no conflicts (2 of 4 stars). 8 submissions from 8 submitters: Pathogenic (6); Likely pathogenic (1). 1 of the submissions does not count toward it. Last evaluated 2025-06-16.

Conditions:
ITGB2-related disorder. Also called: ITGB2-related condition.
Inborn genetic diseases. Identifiers: MedGen C0950123, MeSH D030342.
Leukocyte adhesion deficiency 1 (LAD1). Also called: LAD 1; Lymphocyte function-associated antigen 1 immunodeficiency; LFA 1 immunodeficiency; LEUKOCYTE ADHESION DEFICIENCY, TYPE I. Identifiers: Orphanet 2968, Orphanet 99842, MedGen C0398738, MONDO:0007293, OMIM 116920.

Allele frequency attached by ClinVar (database versions not stated): gnomAD 0.00003; gnomAD exomes 0.00004; TOPMed 0.00004; ExAC 0.00006.
gnomAD v4.1: 184 of 1,614,048 alleles (0.011%); highest among the groups gnomAD compares: Non-Finnish European, 0.015%; no homozygotes.

Submissions (8):

PreventionGenetics, part of Exact Sciences
Classification: Pathogenic for ITGB2-related condition. Last evaluated: 2025-06-16. Review status: criteria provided, single submitter. Criteria: ACMG Guidelines, 2015. Collection method: clinical testing. Allele origin: germline.
Comment: The ITGB2 c.850G>A variant is predicted to result in the amino acid substitution p.Gly284Ser. This variant has been reported in the homozygous and compound heterozygous states in individuals with leukocyte adhesion deficiency (Wright et al. 1995. PubMed ID: 7705401; Fathallah et al. 2001. PubMed ID: 12488604; Shaw et al. 2001. PubMed ID: 11703376; Uzel et al. 2008. PubMed ID: 17875809; Madkaikar et al. 2015. PubMed ID: 25703682). Functional studies have shown that this variant impacts ITGB2 protein function (Wright et al. 1995. PubMed ID: 7705401; Fathallah et al. 2001. PubMed ID: 12488604; Uzel et al. 2008. PubMed ID: 17875809; Guan et al. 2015. PubMed ID: 25514840). This variant is reported in 0.0062% of alleles in individuals of European (Non-Finnish) descent in gnomAD and is reported as pathogenic/likely pathogenic in ClinVar. Taken together, this variant is interpreted as pathogenic.

Labcorp Genetics (formerly Invitae), Labcorp
Classification: Pathogenic for Leukocyte adhesion deficiency 1. Last evaluated: 2025-04-26. Review status: criteria provided, single submitter. Criteria: Invitae Variant Classification Sherloc (09022015). Collection method: clinical testing. Allele origin: germline.
Comment: This sequence change replaces glycine, which is neutral and non-polar, with serine, which is neutral and polar, at codon 284 of the ITGB2 protein (p.Gly284Ser). This variant is present in population databases (rs137852616, gnomAD 0.007%). This missense change has been observed in individual(s) with leukocyte adhesion deficiency (PMID: 7705401, 11703376, 12488604, 17875809, 25703682). In at least one individual the data is consistent with being in trans (on the opposite chromosome) from a pathogenic variant. It has also been observed to segregate with disease in related individuals. ClinVar contains an entry for this variant (Variation ID: 9469). Invitae Evidence Modeling of protein sequence and biophysical properties (such as structural, functional, and spatial information, amino acid conservation, physicochemical variation, residue mobility, and thermodynamic stability) has been performed for this missense variant. However, the output from this modeling did not meet the statistical confidence thresholds required to predict the impact of this variant on ITGB2 protein function. Experimental studies have shown that this missense change affects ITGB2 function (PMID: 7705401, 12488604, 17875809, 25514840). For these reasons, this variant has been classified as Pathogenic.

Blueprint Genetics
Classification: Pathogenic for ITGB2-related disorders. Last evaluated: 2024-08-21. Review status: criteria provided, single submitter. Criteria: ACMG Guidelines, 2015. Collection method: clinical testing. Allele origin: germline. Affected: yes. Observed: 5 variant alleles.

GeneDx
Classification: Pathogenic. Last evaluated: 2022-06-02. Review status: criteria provided, single submitter. Criteria: GeneDx Variant Classification Process June 2021. Collection method: clinical testing. Allele origin: germline. Affected: yes.
Comment: Published functional studies demonstrate a damaging effect: variant impairs protein expression (Guan et al., 2014; Uzel et al., 2008); In silico analysis supports that this missense variant has a deleterious effect on protein structure/function; This variant is associated with the following publications: (PMID: 28492532, 17467977, 7686755, 7143170, 17875809, 30412664, 30919141, 25514840, 32888943, 10886250, 33365035, 12488604, 7705401, 26434744, 33391282)

Revvity Omics, Revvity
Classification: Likely pathogenic for Leukocyte adhesion deficiency 1. Last evaluated: 2020-06-07. Review status: criteria provided, single submitter. Criteria: ACMG Guidelines, 2015. Collection method: clinical testing. Allele origin: germline.

Ambry Genetics
Classification: Pathogenic for Inborn genetic diseases. Last evaluated: 2019-02-26. Review status: criteria provided, single submitter. Criteria: Ambry exome assertion method (8-5-2015). Collection method: clinical testing. Allele origin: germline. Affected: yes. Observed: 1 variant allele.

Illumina Laboratory Services, Illumina
Classification: Pathogenic for Leukocyte adhesion deficiency 1. Last evaluated: 2017-04-27. Review status: criteria provided, single submitter. Criteria: ICSL Variant Classification Criteria 09 May 2019. Collection method: clinical testing. Allele origin: germline.
Comment: The ITGB2 c.850G>A (p.Gly284Ser) missense variant has been reported in four studies in which it is found in a total of seven individuals with leukocyte adhesion deficiency, including two in a homozygous state, four in a compound heterozygous state (including two siblings) and one in a heterozygous state, along with a total of five unaffected heterozygous family members (Back et al. 1993; Wright et al. 1995; Fathallah et al. 2001; Uzel et al. 2008). Control data are unavailable for this variant, which is reported at a frequency of 0.00009 in the European (non-Finnish) population of the Exome Aggregation Consortium. Cell surface expression of leukocyte integrins (CD11/CD18) on COS-7 cells carrying the p.Gly284Ser variant was significantly reduced compared to wild type (Wright et al. 1995; Uzel et al. 2008). In addition, Uzel et al. (2008) demonstrated that the binding of COS-7 cells carrying the p.Gly284Ser variant to ICAM-1 ligand coated plates was negligible compared to wild type. Based on the evidence, the p.Gly284Ser variant is classified as pathogenic for leukocyte adhesion deficiency. This variant was observed by ICSL as part of a predisposition screen in an ostensibly healthy population.

OMIM
Classification: Pathogenic for LEUKOCYTE ADHESION DEFICIENCY 1. Last evaluated: 1993-06-30. Review status: no assertion criteria provided. Collection method: literature only. Allele origin: germline. Not counted in ClinVar's aggregate classification.

Literature cited by the submitters: PubMed 7705401 (cited by Labcorp Genetics (formerly Invitae), Labcorp and Illumina Laboratory Services, Illumina); PubMed 11703376 (cited by Labcorp Genetics (formerly Invitae), Labcorp); PubMed 12488604 (cited by 3 submitters); PubMed 17875809 (cited by 3 submitters); PubMed 25703682 (cited by Labcorp Genetics (formerly Invitae), Labcorp and Ambry Genetics); PubMed 25514840 (cited by Labcorp Genetics (formerly Invitae), Labcorp); PubMed 30412664 (cited by Ambry Genetics); PubMed 10886250 (cited by Ambry Genetics); PubMed 7686755 (cited by Illumina Laboratory Services, Illumina and OMIM); PubMed 7143170 (cited by OMIM).

NM_000211.5(ITGB2):c.850G>A (p.Gly284Ser)

Gene: ITGB2 (integrin subunit beta 2; minus strand). Cytogenetic location: 21q22.3.
Variant type: single nucleotide variant.
Coding change: c.850G>A on transcript NM_000211.5 (MANE Select); coding-DNA position 850, G replaced by A.
Protein change: p.Gly284Ser; replaces glycine 284 with serine.
Molecular consequence: missense variant.
Genome position (GRCh38, 1-based): chr21:44,900,367, C>T on the plus strand (G>A on the coding strand, the complement: ITGB2 is on the minus strand). VCF-style: chr21-44900367-C-T. GRCh37 (hg19) VCF-style: chr21-46320282-C-T.
Other names: c.850G>A, p.Gly284Ser (NM_001127491.3, LRG_76t1); c.643G>A, p.Gly215Ser (NM_001303238.2); short protein forms G284S, G215S.
Identifiers: ClinVar variation 9469 (VCV000009469.24), dbSNP rs137852616, ClinGen allele CA120468.